The following is an entry in ClinVar:

ClinVar aggregate classification (germline): Likely benign. Review status: criteria provided, single submitter (1 of 4 stars). 2 submissions from 2 submitters: Likely benign (1). 1 of the submissions does not count toward it. Last evaluated 2025-09-15.

Conditions:
LIFR-related disorder. Also called: LIFR-related condition.

Allele frequency attached by ClinVar (database versions not stated): ExAC 0.00002; gnomAD 0.00002; gnomAD exomes 0.00004; TOPMed 0.00005.
gnomAD v4.1: 50 of 1,612,422 alleles (0.0031%); highest among the groups gnomAD compares: Middle Eastern, 0.016%; no homozygotes.

Submissions (2):

Labcorp Genetics (formerly Invitae), Labcorp
Classification: Likely benign. Last evaluated: 2025-09-15. Review status: criteria provided, single submitter. Criteria: Invitae Variant Classification Sherloc (09022015). Collection method: clinical testing. Allele origin: germline.

PreventionGenetics, part of Exact Sciences
Classification: Likely benign for LIFR-related condition. Last evaluated: 2023-12-11. Review status: no assertion criteria provided. Collection method: clinical testing. Allele origin: germline. Not counted in ClinVar's aggregate classification.
Comment: This variant is classified as likely benign based on ACMG/AMP sequence variant interpretation guidelines (Richards et al. 2015 PMID: 25741868, with internal and published modifications).

NM_001127671.2(LIFR):c.463C>T (p.Leu155=)

Gene: LIFR (LIF receptor subunit alpha; minus strand). Cytogenetic location: 5p13.1.
Variant type: single nucleotide variant.
Coding change: c.463C>T on transcript NM_001127671.2 (MANE Select); coding-DNA position 463, C replaced by T.
Protein change: p.Leu155=; no amino-acid change (leucine 155 retained).
Molecular consequence: synonymous variant.
Genome position (GRCh38, 1-based): chr5:38,523,517, G>A on the plus strand (C>T on the coding strand, the complement: LIFR is on the minus strand). VCF-style: chr5-38523517-G-A. GRCh37 (hg19) VCF-style: chr5-38523619-G-A.
Other names: c.463C>T (NM_002310.5); c.463C>T, p.Leu155= (NM_001364297.2, NM_001364298.2, NM_002310.6).
Identifiers: ClinVar variation 1109244 (VCV001109244.11), dbSNP rs200441838, ClinGen allele CA3243203.